The following is an entry in ClinVar:

NM_000551.4(VHL):c.335_340+5del

Gene: VHL (von Hippel-Lindau tumor suppressor; plus strand). Cytogenetic location: 3p25.3.
Variant type: Deletion.
Coding change: c.335_340+5del on transcript NM_000551.4 (MANE Select); coding-DNA position 335 through 5 bases into the intron after coding-DNA position 340, 11 bases deleted (ACCGAGGTACG).
Molecular consequence: splice donor variant.
Genome position (GRCh38, 1-based): chr3:10,142,182-10,142,192, ACCGAGGTACG deleted. VCF-style (leftmost placement, unchanged base first): chr3-10142181-TACCGAGGTACG-T. GRCh37 (hg19) VCF-style: chr3-10183865-TACCGAGGTACG-T.
Other names: c.335_340+5del11 (NM_000551.3); c.335_340+5del (NM_001354723.2, NM_198156.3).
Identifiers: ClinVar variation 223188 (VCV000223188.4), dbSNP rs869025632, ClinGen allele CA357040.

ClinVar aggregate classification (germline): Likely pathogenic. Review status: criteria provided, multiple submitters, no conflicts (2 of 4 stars). 3 submissions from 3 submitters: Likely pathogenic (2). 1 of the submissions does not count toward it. Last evaluated 2025-06-26.

Conditions:
Hereditary cancer-predisposing syndrome. Also called: Tumor predisposition; Hereditary neoplastic syndrome; Neoplastic Syndromes, Hereditary; Hereditary Cancer Syndrome. Identifiers: Orphanet 140162, MedGen C0027672, MeSH D009386, MONDO:0015356.
Von Hippel-Lindau syndrome (VHLS). Also called: Von Hippel-Lindau; von Hippel–Lindau syndrome; VHL syndrome. Identifiers: Orphanet 892, MedGen C0019562, MONDO:0008667, OMIM 193300. Disease mechanism: loss of function.

Submissions (3):

Color Diagnostics, LLC DBA Color Health
Classification: Likely pathogenic for Von Hippel-Lindau syndrome. Last evaluated: 2025-06-26. Review status: criteria provided, single submitter. Criteria: ACMG Guidelines, 2015. Collection method: clinical testing. Allele origin: germline.
Comment: This variant deletes 11 basepairs encompassing the last six basepairs in exon 1 and the first five basepairs in intron 1 in the VHL gene. This variant is predicted to disrupt the intron 1 splice donor site (PMID: 30661751) and is expected to result in an absent or non-functional protein product. To our knowledge, functional and RNA studies have not been reported for this variant. Three other variants that disrupt this splice donor site have been reported in more than 5 individuals affected with von Hippel-Lindau syndrome including central nervous system hemangioblastoma and renal cell carcinoma (PMID: 9829912, 20233476, 20518900, 20850701, 27527340, 30900640). This variant has not been identified in the general population by the Genome Aggregation Database (gnomAD). Based on the available evidence, this variant is classified as Likely Pathogenic.

Ambry Genetics
Classification: Likely pathogenic for Hereditary cancer-predisposing syndrome. Last evaluated: 2023-02-17. Review status: criteria provided, single submitter. Criteria: Ambry Variant Classification Scheme 2023. Collection method: clinical testing. Allele origin: germline.
Comment: The c.335_340+5del11 variant results from a deletion of 11 nucleotides between positions 335 and 340+5 and involves the canonical splice donor site after coding exon 1 of the VHL gene. This variant is considered to be rare based on population cohorts in the Genome Aggregation Database (gnomAD). The canonical splice donor site is well conserved in available vertebrate species. In silico splice site analysis predicts that this alteration will weaken the native splice donor site; however, the exact impact of this deletion on VHL splicing and function is currently unknown. Alterations that disrupt the canonical splice site are expected to cause aberrant splicing, resulting in an abnormal protein or a transcript that is subject to nonsense-mediated mRNA decay. As such, this alteration is classified as likely pathogenic.

Genomic Diagnostic Laboratory, Division of Genomic Diagnostics, Children's Hospital of Philadelphia
Classification: Pathogenic for Von Hippel-Lindau syndrome. Last evaluated: 2016-02-26. Review status: no assertion criteria provided. Collection method: clinical testing. Allele origin: germline. Affected: yes. Observed: 3 variant alleles. Not counted in ClinVar's aggregate classification.

Literature cited by the submitters: PubMed 9829912 (cited by Color Diagnostics, LLC DBA Color Health); PubMed 20233476 (cited by Color Diagnostics, LLC DBA Color Health); PubMed 20518900 (cited by Color Diagnostics, LLC DBA Color Health); PubMed 20850701 (cited by Color Diagnostics, LLC DBA Color Health); PubMed 27527340 (cited by Color Diagnostics, LLC DBA Color Health); PubMed 30661751 (cited by Color Diagnostics, LLC DBA Color Health); PubMed 30900640 (cited by Color Diagnostics, LLC DBA Color Health).